The following is an entry in ClinVar:

ClinVar aggregate classification (germline): Likely pathogenic (1 of 4 stars; one submission).

Conditions:
Polymicrogyria with or without vascular-type Ehlers-Danlos syndrome. Identifiers: Orphanet 636941, MedGen C5193040, MONDO:0032688, OMIM 618343.

Submission:

Women's Health and Genetics/Laboratory Corporation of America, LabCorp
Classification: Likely pathogenic for Polymicrogyria with or without vascular-type Ehlers-Danlos syndrome. Last evaluated: 2025-10-21. Review status: criteria provided, single submitter. Criteria: LabCorp Variant Classification Summary - May 2015. Collection method: clinical testing. Allele origin: germline.
Comment: Variant summary: COL3A1 c.1006G>A (p.Gly336Ser) results in a non-conservative amino acid change in the encoded protein sequence. This variant disrupts the triple helix domain of COL3A1. Glycine residues within the Gly-X-Y repeats of the triple helix domain are required for the structure and stability of fibrillar collagens (PMID: 7695699, 8218237, 19344236). In COL3A1, variants that affect these glycine residues are significantly enriched in individuals with disease (PMID: 24922459, 25758994) compared to the general population (ExAC). Algorithms developed to predict the effect of missense changes on protein structure and function all suggest that this variant is likely to be disruptive. The variant was absent in 251364 control chromosomes. To our knowledge, no occurrence of c.1006G>A in individuals affected with COL3A1-related conditions and no experimental evidence demonstrating its impact on protein function have been reported. No submitters have cited clinical-significance assessments for this variant to ClinVar. Based on the evidence outlined above, the variant was classified as likely pathogenic.

NM_000090.4(COL3A1):c.1006G>A (p.Gly336Ser)

Gene: COL3A1 (collagen type III alpha 1 chain; plus strand). Cytogenetic location: 2q32.2.
Variant type: single nucleotide variant.
Coding change: c.1006G>A on transcript NM_000090.4 (MANE Select); coding-DNA position 1006, G replaced by A.
Protein change: p.Gly336Ser; replaces glycine 336 with serine.
Molecular consequence: missense variant.
Genome position (GRCh38, 1-based): chr2:188,992,896, G>A. VCF-style: chr2-188992896-G-A. GRCh37 (hg19) VCF-style: chr2-189857622-G-A.
Other names: short protein forms G336S.
Identifiers: ClinVar variation 3902396 (VCV003902396.2).